The following is an entry in ClinVar:

ClinVar aggregate classification (germline): Uncertain significance. Review status: reviewed by expert panel (3 of 4 stars). 2 submissions from 2 submitters: Uncertain significance (1). 1 of the submissions does not count toward it. Last evaluated 2025-01-03.

Conditions:
Pulmonary hypertension, primary, 1 (PPH1). Also called: Pulmonary hypertension, familial primary, 1, with or without HHT. Identifiers: Orphanet 422, MedGen C4552070, MONDO:0024533, OMIM 178600.
Pulmonary arterial hypertension. Identifiers: Orphanet 182090, MedGen C2973725, MeSH D000081029, MONDO:0015924, HP:0002092.

Submissions (2):

Clingen Pulmonary Hypertension Variant Curation Expert Panel, ClinGen
Classification: Uncertain significance for Pulmonary arterial hypertension. Last evaluated: 2025-01-03. Review status: reviewed by expert panel. Criteria: ClinGen PH ACMG Specifications BMPR2 V1.1.0. Collection method: curation. Allele origin: germline. Inheritance: Autosomal dominant inheritance.
Comment: The c.1220A>C (p. Tyr407Ser) variant is a missense variant located in exon 9 of the BMPR2 gene, predicted to cause substitution of tyrosine to serine at amino acid position 407. The variant is present in the conserved catalytic kinase domain but without functional evidence indicating a critical or non-critical amino acid residue (PM1_moderate). The variant is absent from gnomAD v2.1.1 controls and v4.1 (PM2_supporting). The REVEL prediction algorithm score is 0.981 and AlphaMissense is 0.9904 indicating pathogenicity (PP3_met). The variant has been reported in only one individual with PAH (PMID: 26387786) (PS4 not met). PS2 was not assessed due to lack of paternity data. No functional studies have been conducted for this variant (PS3 not assessed). In summary, this variant meets the criteria to be classified as a variant of uncertain significance for pulmonary arterial hypertension based on the ACMG/AMP criteria applied, as specified by the ClinGen Pulmonary Hypertension VCEP: PM1_moderate, PM2_supporting, PP3_supporting (VCEP specification version 1.1.0, 1/18/2024).

Rare Disease Genomics Group, St George's University of London
Classification: Pathogenic for Primary pulmonary hypertension. Review status: no assertion criteria provided. Collection method: literature only. Allele origin: germline. Affected: yes. Not counted in ClinVar's aggregate classification.

Literature cited by the submitters: PubMed 26387786 (cited by Rare Disease Genomics Group, St George's University of London).

NM_001204.7(BMPR2):c.1220A>C (p.Tyr407Ser)

Gene: BMPR2 (bone morphogenetic protein receptor type 2; plus strand). Cytogenetic location: 2q33.2.
Variant type: single nucleotide variant.
Coding change: c.1220A>C on transcript NM_001204.7 (MANE Select); coding-DNA position 1220, A replaced by C.
Protein change: p.Tyr407Ser; replaces tyrosine 407 with serine.
Molecular consequence: missense variant.
Genome position (GRCh38, 1-based): chr2:202,532,676, A>C. VCF-style: chr2-202532676-A-C. GRCh37 (hg19) VCF-style: chr2-203397399-A-C.
Other names: NM_001204.7(BMPR2):c.1220A>C; p.Tyr407Ser; c.1220A>C (LRG_712t1); short protein forms Y407S.
Identifiers: ClinVar variation 425895 (VCV000425895.2), dbSNP rs1085307314, ClinGen allele CA350341886.